The following is an entry in ClinVar:

ClinVar aggregate classification (germline): Pathogenic/Likely pathogenic. Review status: criteria provided, multiple submitters, no conflicts (2 of 4 stars). 2 submissions from 2 submitters: Pathogenic (1); Likely pathogenic (1). Last evaluated 2024-04-04.

Conditions:
Mendelian susceptibility to mycobacterial diseases due to complete ISG15 deficiency. Also called: Immunodeficiency 38; IMMUNODEFICIENCY 38, MYCOBACTERIOSIS, AUTOSOMAL RECESSIVE; ISG15 DEFICIENCY, AUTOSOMAL RECESSIVE; Immunodeficiency 38 with basal ganglia calcification. Identifiers: Orphanet 319563, MedGen C4015293, MONDO:0014502, OMIM 616126.

Submissions (2):

Genomic Medicine Center of Excellence, King Faisal Specialist Hospital and Research Centre
Classification: Likely pathogenic for Mendelian susceptibility to mycobacterial diseases due to complete ISG15 deficiency. Last evaluated: 2024-04-04. Review status: criteria provided, single submitter. Criteria: ACMG Guidelines, 2015. Collection method: clinical testing. Allele origin: germline.

Baylor Genetics
Classification: Pathogenic for Mendelian susceptibility to mycobacterial diseases due to complete ISG15 deficiency. Last evaluated: 2020-02-21. Review status: criteria provided, single submitter. Criteria: ACMG Guidelines, 2015. Collection method: clinical testing. Allele origin: unknown. Affected: yes.
Comment: This variant was determined to be pathogenic according to ACMG Guidelines, 2015 [PMID:25741868].

NM_005101.4(ISG15):c.4-1G>A

Gene: ISG15 (ISG15 ubiquitin like modifier; plus strand). Cytogenetic location: 1p36.33.
Variant type: single nucleotide variant.
Coding change: c.4-1G>A on transcript NM_005101.4 (MANE Select); the canonical splice acceptor site of the intron before coding-DNA position 4, G replaced by A.
Molecular consequence: splice acceptor variant.
Genome position (GRCh38, 1-based): chr1:1,013,983, G>A. VCF-style: chr1-1013983-G-A. GRCh37 (hg19) VCF-style: chr1-949363-G-A.
Identifiers: ClinVar variation 1028857 (VCV001028857.2), dbSNP rs1644247121, ClinGen allele CA337803344.
Genomic context (GRCh38, chr1:1,013,983, plus strand): 5'-CCTTGTGTGTGGTGGGCCTGGGGCTGGCGCCGCAGTCTCTGAACCTGTGTGACGCCTGCA[G>A]GGCTGGGACCTGACGGTGAAGATGCTGGCGGGCAACGAATTCCAGGTGTCCCTGAGCAGC-3'